The following is an entry in ClinVar:

NM_001482.3(GATM):c.859C>T (p.Pro287Ser)

Gene: GATM (glycine amidinotransferase; minus strand). Cytogenetic location: 15q21.1.
Variant type: single nucleotide variant.
Coding change: c.859C>T on transcript NM_001482.3 (MANE Select); coding-DNA position 859, C replaced by T.
Protein change: p.Pro287Ser; replaces proline 287 with serine.
Molecular consequence: missense variant.
Genome position (GRCh38, 1-based): chr15:45,366,165, G>A on the plus strand (C>T on the coding strand, the complement: GATM is on the minus strand). VCF-style: chr15-45366165-G-A. GRCh37 (hg19) VCF-style: chr15-45658363-G-A.
Other names: c.472C>T, p.Pro158Ser (NM_001321015.2); short protein forms P158S, P287S.
Identifiers: ClinVar variation 1010115 (VCV001010115.9), dbSNP rs773358289, ClinGen allele CA7542835.
Genomic context (GRCh38, chr15:45,366,165, plus strand): 5'-TAGCATCAATATGCATGGGATTGGGATCTTTAAAGGAGATGATATGCACTCTGTAGTCTG[G>A]AGCAAGATGCCTACGCATCCATTCAATGCCTAGGTAGTTTGTAACCTGAAAACAAAAGAA-3'
Protein context (NP_001473.1, residues 277-297): GIEWMRRHLA[Pro287Ser]DYRVHIISFK

ClinVar aggregate classification (germline): Uncertain significance. Review status: criteria provided, multiple submitters, no conflicts (2 of 4 stars). 2 submissions from 2 submitters: Uncertain significance (2). Last evaluated 2025-09-30.

Conditions:
Arginine:glycine amidinotransferase deficiency (CCDS3). Also called: AGAT deficiency; Cerebral creatine deficiency syndrome 3; L-Arginine:Glycine Amidinotransferase Deficiency; Creatine deficiency syndrome due to AGAT deficiency; GATM deficiency; L-Arginine:Glycine Amidinotransferase (AGAT) Deficiency. Identifiers: Orphanet 35704, MedGen C2675179, MONDO:0012996, OMIM 612718.
Fanconi renotubular syndrome 1. Also called: Toni-Debre-Fanconi syndrome; Neonatal De Toni-Debre-Fanconi syndrome; De Toni-Fanconi syndrome; FRTS1; LUDER-SHELDON SYNDROME. Identifiers: MedGen C4551503, MONDO:0024525, OMIM 134600.

Allele frequency attached by ClinVar (database versions not stated): TOPMed below 0.00001; gnomAD exomes 0.00002; ExAC 0.00003.
gnomAD v4.1: 25 of 1,614,106 alleles (0.0015%); highest among the groups gnomAD compares: Non-Finnish European, 0.002%; no homozygotes.

Submissions (2):

Labcorp Genetics (formerly Invitae), Labcorp
Classification: Uncertain significance for Arginine:glycine amidinotransferase deficiency. Last evaluated: 2025-09-30. Review status: criteria provided, single submitter. Criteria: Invitae Variant Classification Sherloc (09022015). Collection method: clinical testing. Allele origin: germline.
Comment: This sequence change replaces proline, which is neutral and non-polar, with serine, which is neutral and polar, at codon 287 of the GATM protein (p.Pro287Ser). This variant is present in population databases (rs773358289, gnomAD 0.006%). This variant has not been reported in the literature in individuals affected with GATM-related conditions. ClinVar contains an entry for this variant (Variation ID: 1010115). Invitae Evidence Modeling of protein sequence and biophysical properties (such as structural, functional, and spatial information, amino acid conservation, physicochemical variation, residue mobility, and thermodynamic stability) indicates that this missense variant is not expected to disrupt GATM protein function with a negative predictive value of 95%. In summary, the available evidence is currently insufficient to determine the role of this variant in disease. Therefore, it has been classified as a Variant of Uncertain Significance.

Fulgent Genetics
Classification: Uncertain significance for Fanconi renotubular syndrome 1; Arginine:glycine amidinotransferase deficiency. Last evaluated: 2022-04-19. Review status: criteria provided, single submitter. Criteria: ACMG Guidelines, 2015. Collection method: clinical testing. Allele origin: unknown.